The following is an entry in ClinVar:

NM_170606.3(KMT2C):c.6614A>G (p.His2205Arg)

Gene: KMT2C (lysine methyltransferase 2C; minus strand). Cytogenetic location: 7q36.1.
Variant type: single nucleotide variant.
Coding change: c.6614A>G on transcript NM_170606.3 (MANE Select); coding-DNA position 6614, A replaced by G.
Protein change: p.His2205Arg; replaces histidine 2205 with arginine.
Molecular consequence: missense variant.
Genome position (GRCh38, 1-based): chr7:152,181,246, T>C on the plus strand (A>G on the coding strand, the complement: KMT2C is on the minus strand). VCF-style: chr7-152181246-T-C. GRCh37 (hg19) VCF-style: chr7-151878331-T-C.
Other names: short protein forms H2205R.
Identifiers: ClinVar variation 3253214 (VCV003253214.1), dbSNP rs2487795816.

ClinVar aggregate classification (germline): Uncertain significance (1 of 4 stars; one submission).

Submission:

GeneDx
Classification: Uncertain significance. Last evaluated: 2023-04-19. Review status: criteria provided, single submitter. Criteria: GeneDx Variant Classification Process June 2021. Collection method: clinical testing. Allele origin: germline. Affected: yes.
Comment: Not observed at significant frequency in large population cohorts (gnomAD); In silico analysis supports that this missense variant has a deleterious effect on protein structure/function; Has not been previously published as pathogenic or benign to our knowledge